The following is an entry in ClinVar:

NM_000843.4(GRM6):c.247C>G (p.Pro83Ala)

Gene: GRM6 (glutamate metabotropic receptor 6; minus strand). Cytogenetic location: 5q35.3.
Variant type: single nucleotide variant.
Coding change: c.247C>G on transcript NM_000843.4 (MANE Select); coding-DNA position 247, C replaced by G.
Protein change: p.Pro83Ala; replaces proline 83 with alanine.
Molecular consequence: missense variant.
Genome position (GRCh38, 1-based): chr5:178,994,698, G>C on the plus strand (C>G on the coding strand, the complement: GRM6 is on the minus strand). VCF-style: chr5-178994698-G-C. GRCh37 (hg19) VCF-style: chr5-178421699-G-C.
Other names: short protein forms P83A.
Identifiers: ClinVar variation 863330 (VCV000863330.8), dbSNP rs764026431, ClinGen allele CA3594578.

ClinVar aggregate classification (germline): Uncertain significance. Review status: criteria provided, multiple submitters, no conflicts (2 of 4 stars). 3 submissions from 3 submitters: Uncertain significance (3). Last evaluated 2026-01-11.

Conditions:
Inborn genetic diseases. Identifiers: MedGen C0950123, MeSH D030342.

Allele frequency attached by ClinVar (database versions not stated): ExAC below 0.00001; gnomAD 0.00004 and 0.00007; gnomAD exomes 0.00004; TOPMed 0.00009.
gnomAD v4.1: 88 of 1,468,842 alleles (0.006%); highest among the groups gnomAD compares: Non-Finnish European, 0.0069%; no homozygotes.

Submissions (3):

Labcorp Genetics (formerly Invitae), Labcorp
Classification: Uncertain significance. Last evaluated: 2026-01-11. Review status: criteria provided, single submitter. Criteria: Invitae Variant Classification Sherloc (09022015). Collection method: clinical testing. Allele origin: germline.
Comment: This sequence change replaces proline, which is neutral and non-polar, with alanine, which is neutral and non-polar, at codon 83 of the GRM6 protein (p.Pro83Ala). The frequency data for this variant in the population databases is considered unreliable, as metrics indicate poor data quality at this position in the gnomAD database. This variant has not been reported in the literature in individuals affected with GRM6-related conditions. ClinVar contains an entry for this variant (Variation ID: 863330). Invitae Evidence Modeling of protein sequence and biophysical properties (such as structural, functional, and spatial information, amino acid conservation, physicochemical variation, residue mobility, and thermodynamic stability) indicates that this missense variant is not expected to disrupt GRM6 protein function with a negative predictive value of 95%. In summary, the available evidence is currently insufficient to determine the role of this variant in disease. Therefore, it has been classified as a Variant of Uncertain Significance.

Ambry Genetics
Classification: Uncertain significance for Inborn genetic diseases. Last evaluated: 2025-08-07. Review status: criteria provided, single submitter. Criteria: Ambry Variant Classification Scheme 2023. Collection method: clinical testing. Allele origin: germline.

Blueprint Genetics
Classification: Uncertain significance. Last evaluated: 2024-05-14. Review status: criteria provided, single submitter. Criteria: ACMG Guidelines, 2015. Collection method: clinical testing. Allele origin: germline.